The following is an entry in ClinVar:

NM_006269.2(RP1):c.4113T>A (p.Asp1371Glu)

Gene: RP1 (RP1 axonemal microtubule associated; plus strand). Cytogenetic location: 8q12.1.
Variant type: single nucleotide variant.
Coding change: c.4113T>A on transcript NM_006269.2 (MANE Select); coding-DNA position 4113, T replaced by A.
Protein change: p.Asp1371Glu; replaces aspartic acid 1371 with glutamic acid.
Molecular consequence: missense variant. On other transcripts: intron variant (1).
Genome position (GRCh38, 1-based): chr8:54,627,995, T>A. VCF-style: chr8-54627995-T-A. GRCh37 (hg19) VCF-style: chr8-55540555-T-A.
Other names: c.787+5707T>A (NM_001375654.1); short protein forms D1371E.
Identifiers: ClinVar variation 3723533 (VCV003723533.2).

ClinVar aggregate classification (germline): Uncertain significance (1 of 4 stars; one submission).

Submission:

Labcorp Genetics (formerly Invitae), Labcorp
Classification: Uncertain significance. Last evaluated: 2024-10-31. Review status: criteria provided, single submitter. Criteria: Invitae Variant Classification Sherloc (09022015). Collection method: clinical testing. Allele origin: germline.
Comment: This sequence change replaces aspartic acid, which is acidic and polar, with glutamic acid, which is acidic and polar, at codon 1371 of the RP1 protein (p.Asp1371Glu). This variant is not present in population databases (gnomAD no frequency). This variant has not been reported in the literature in individuals affected with RP1-related conditions. An algorithm developed to predict the effect of missense changes on protein structure and function (PolyPhen-2) suggests that this variant is likely to be disruptive. In summary, the available evidence is currently insufficient to determine the role of this variant in disease. Therefore, it has been classified as a Variant of Uncertain Significance.